The following is an entry in ClinVar:

ClinVar aggregate classification (germline): Benign. Review status: criteria provided, multiple submitters, no conflicts (2 of 4 stars). 8 submissions from 8 submitters: Benign (8). Last evaluated 2026-03-27.

Conditions:
Cardiovascular phenotype. Identifiers: MedGen CN230736.

Allele frequency attached by ClinVar (database versions not stated): ESP Exome Variant Server 0.04764; gnomAD exomes 0.05026; ExAC 0.05179; gnomAD 0.05465 and 0.05636; TOPMed 0.05607; 1000 Genomes Project 0.08227; 1000 Genomes Project 30x 0.08307.

Submissions (8):

Molecular Diagnostic Laboratory for Inherited Cardiovascular Disease, Montreal Heart Institute
Classification: Benign. Last evaluated: 2026-03-27. Review status: criteria provided, single submitter. Criteria: ACMG Guidelines, 2015. Collection method: clinical testing. Allele origin: germline. Affected: no.

Labcorp Genetics (formerly Invitae), Labcorp
Classification: Benign. Last evaluated: 2026-02-04. Review status: criteria provided, single submitter. Criteria: Invitae Variant Classification Sherloc (09022015). Collection method: clinical testing. Allele origin: germline.

Blueprint Genetics
Classification: Benign. Last evaluated: 2024-11-27. Review status: criteria provided, single submitter. Criteria: ACMG Guidelines, 2015. Collection method: clinical testing. Allele origin: germline.

Mayo Clinic Laboratories, Mayo Clinic
Classification: Benign. Last evaluated: 2024-03-15. Review status: criteria provided, single submitter. Criteria: ACMG Guidelines, 2015. Collection method: clinical testing. Allele origin: germline. Observed: 7 variant alleles.
Comment: BA1, BP4

Ambry Genetics
Classification: Benign for Cardiovascular phenotype. Last evaluated: 2019-01-26. Review status: criteria provided, single submitter. Criteria: Ambry Variant Classification Scheme 2023. Collection method: clinical testing. Allele origin: germline.

GeneDx
Classification: Benign. Last evaluated: 2018-11-16. Review status: criteria provided, single submitter. Criteria: GeneDx Variant Classification Process June 2021. Collection method: clinical testing. Allele origin: germline. Affected: yes.
Comment: This variant is associated with the following publications: (PMID: 31619059, 30420299, 28548292, 21423763)

Women's Health and Genetics/Laboratory Corporation of America, LabCorp
Classification: Benign. Last evaluated: 2017-07-19. Review status: criteria provided, single submitter. Criteria: LabCorp Variant Classification Summary - May 2015. Collection method: clinical testing. Allele origin: germline.
Comment: Variant summary: The APOA5 c.457G>A (p.Val153Met) variant involves the alteration of a non-conserved nucleotide. 4/4 in silico tools predict benign outcome for this variant. This variant was found in 6280/120674 control chromosomes (262 homozygotes) including ExAC at a frequency of 0.052041, which is approximately 781 times the estimated maximal expected allele frequency of a pathogenic APOA5 variant (0.0000667), suggesting this variant is likely a benign polymorphism. In addition, this variant was not found to confer increased risk of hypertriglyceridemia in a case-control study (Kao_2003). Taken together, this variant is classified as benign.

Breakthrough Genomics
Classification: Benign. Review status: criteria provided, single submitter. Criteria: ACMG Guidelines, 2015. Collection method: not provided. Allele origin: germline. Inheritance: Autosomal dominant inheritance. Affected: yes.

NM_001371904.1(APOA5):c.457G>A (p.Val153Met)

Gene: APOA5 (apolipoprotein A5; minus strand). Cytogenetic location: 11q23.3.
Variant type: single nucleotide variant.
Coding change: c.457G>A on transcript NM_001371904.1 (MANE Select); coding-DNA position 457, G replaced by A.
Protein change: p.Val153Met; replaces valine 153 with methionine.
Molecular consequence: missense variant.
Genome position (GRCh38, 1-based): chr11:116,790,772, C>T on the plus strand (G>A on the coding strand, the complement: APOA5 is on the minus strand). VCF-style: chr11-116790772-C-T. GRCh37 (hg19) VCF-style: chr11-116661488-C-T.
Other names: p.Val153Met; c.457G>A, p.Val153Met (NM_001166598.2, NM_052968.5); short protein forms V153M.
Identifiers: ClinVar variation 496496 (VCV000496496.17), dbSNP rs3135507, ClinGen allele CA6289076.
Genomic context (GRCh38, chr11:116,790,772, plus strand): 5'-GCAAAGCCCAAGCCTCGTCCACGCCCCCCAGCAACTGGGCCTTGGTGTCTTCCCCCACCA[C>T]GCGCAACTGCTCCTGCAGCTCCTGCACGCGCAGGGCCACCTGCTCCATCAGATCCATCGT-3'
Protein context (NP_001358833.1, residues 143-163): RVQELQEQLR[Val153Met]VGEDTKAQLL